The following is an entry in ClinVar:

NM_130839.5(UBE3A):c.2591C>T (p.Thr864Met)

Genes: SNHG14 (small nucleolar RNA host gene 14; plus strand), UBE3A (ubiquitin protein ligase E3A; minus strand). Cytogenetic location: 15q11.2.
Variant type: single nucleotide variant.
Coding change: c.2591C>T on transcript NM_130839.5 (MANE Select); coding-DNA position 2591, C replaced by T.
Protein change: p.Thr864Met; replaces threonine 864 with methionine.
Molecular consequence: missense variant. On other transcripts: non-coding transcript variant (1).
Genome position (GRCh38, 1-based): chr15:25,339,165, G>A on the plus strand (C>T on the coding strand, the complement: UBE3A is on the minus strand). VCF-style: chr15-25339165-G-A. GRCh37 (hg19) VCF-style: chr15-25584312-G-A.
Other names: c.2600C>T, p.Thr867Met (NM_000462.5); c.2591C>T, p.Thr864Met (NM_001354505.1, NM_001354538.2); c.2531C>T, p.Thr844Met (NM_001354506.2, NM_001354507.2, NM_001354508.2 and 14 more transcripts); c.2435C>T, p.Thr812Met (NM_001354545.2); c.2414C>T, p.Thr805Met (NM_001354546.2); c.2375C>T, p.Thr792Met (NM_001354547.2, NM_001354548.2); c.2366C>T, p.Thr789Met (NM_001354549.2); c.1340C>T, p.Thr447Met (NM_001354550.2); and 1 more; short protein forms T844M, T789M, T792M, T864M, T427M, T805M, T812M, T867M.
Identifiers: ClinVar variation 3013633 (VCV003013633.3), dbSNP rs1418533842, ClinGen allele CA391350524.

ClinVar aggregate classification (germline): Uncertain significance (1 of 4 stars; one submission).

Conditions:
Angelman syndrome (AS). Also called: HAPPY PUPPET SYNDROME. Identifiers: Orphanet 72, MedGen C0162635, MONDO:0007113, OMIM 105830. Disease mechanism: loss of function. Inheritance: AS is caused by disruption of maternally imprinted UBE3A located within the 15q11.2-q13 Angelman syndrome/Prader-Willi syndrome (AS/PWS) region., imprinting disorder.

Allele frequency attached by ClinVar (database versions not stated): gnomAD exomes 0.00001; TOPMed 0.00001.
gnomAD v4.1: 4 of 1,606,126 alleles (0.00025%); highest among the groups gnomAD compares: Non-Finnish European, 0.00017%; no homozygotes.

Submission:

Labcorp Genetics (formerly Invitae), Labcorp
Classification: Uncertain significance for Angelman syndrome. Last evaluated: 2025-10-29. Review status: criteria provided, single submitter. Criteria: Invitae Variant Classification Sherloc (09022015). Collection method: clinical testing. Allele origin: germline.
Comment: This sequence change replaces threonine, which is neutral and polar, with methionine, which is neutral and non-polar, at codon 844 of the UBE3A protein (p.Thr844Met). The frequency data for this variant in the population databases is considered unreliable, as metrics indicate poor data quality at this position in the gnomAD database. This variant has not been reported in the literature in individuals affected with UBE3A-related conditions. ClinVar contains an entry for this variant (Variation ID: 3013633). Invitae Evidence Modeling of protein sequence and biophysical properties (such as structural, functional, and spatial information, amino acid conservation, physicochemical variation, residue mobility, and thermodynamic stability) indicates that this missense variant is not expected to disrupt UBE3A protein function with a negative predictive value of 80%. In summary, the available evidence is currently insufficient to determine the role of this variant in disease. Therefore, it has been classified as a Variant of Uncertain Significance.